The following is an entry in ClinVar:

ClinVar aggregate classification (germline): Likely benign. Review status: criteria provided, multiple submitters, no conflicts (2 of 4 stars). 2 submissions from 2 submitters: Likely benign (2). Last evaluated 2023-12-18.

Conditions:
Hereditary diffuse leukoencephalopathy with spheroids. Also called: LEUKOENCEPHALOPATHY, ADULT-ONSET, WITH AXONAL SPHEROIDS AND PIGMENTED GLIA. Identifiers: Orphanet 313808, MedGen C3711381, MONDO:0030796.

Allele frequency attached by ClinVar (database versions not stated): gnomAD below 0.00001 and 0.00001; gnomAD exomes 0.00003; ExAC 0.00005; 1000 Genomes Project 30x 0.00016; 1000 Genomes Project 0.00020.
gnomAD v4.1: 11 of 1,593,500 alleles (0.00069%); highest among the groups gnomAD compares: South Asian, 0.012%; no homozygotes.

Submissions (2):

Labcorp Genetics (formerly Invitae), Labcorp
Classification: Likely benign. Last evaluated: 2023-12-18. Review status: criteria provided, single submitter. Criteria: Invitae Variant Classification Sherloc (09022015). Collection method: clinical testing. Allele origin: germline.

Illumina Laboratory Services, Illumina
Classification: Likely benign for Leukoencephalopathy, diffuse hereditary, with spheroids 1. Last evaluated: 2018-01-12. Review status: criteria provided, single submitter. Criteria: ICSL Variant Classification Criteria 13 December 2019. Collection method: clinical testing. Allele origin: germline.
Comment: This variant was observed in the ICSL laboratory as part of a predisposition screen in an ostensibly healthy population. It had not been previously curated by ICSL or reported in the Human Gene Mutation Database (HGMD: prior to June 1st, 2018), and was therefore a candidate for classification through an automated scoring system. Utilizing variant allele frequency, disease prevalence and penetrance estimates, and inheritance mode, an automated score was calculated to assess if this variant is too frequent to cause the disease. Based on the score and internal cut-off values, a variant classified as likely benign is not then subjected to further curation. The score for this variant resulted in a classification of likely benign for this disease.

NM_001288705.3(CSF1R):c.1510+13C>G

Gene: CSF1R (colony stimulating factor 1 receptor; minus strand). Cytogenetic location: 5q32.
Variant type: single nucleotide variant.
Coding change: c.1510+13C>G on transcript NM_001288705.3 (MANE Select); 13 bases into the intron after coding-DNA position 1510, C replaced by G.
Molecular consequence: intron variant.
Genome position (GRCh38, 1-based): chr5:150,069,860, G>C on the plus strand (C>G on the coding strand, the complement: CSF1R is on the minus strand). VCF-style: chr5-150069860-G-C. GRCh37 (hg19) VCF-style: chr5-149449423-G-C.
Other names: c.1066+13C>G (NM_001375321.1); c.1510+13C>G (NM_005211.4, NM_001375320.1, NM_001349736.2).
Identifiers: ClinVar variation 906439 (VCV000906439.11), dbSNP rs533789269, ClinGen allele CA3506833.